The following is an entry in ClinVar:

NM_000090.4(COL3A1):c.2148T>C (p.Pro716=)

Gene: COL3A1 (collagen type III alpha 1 chain; plus strand). Cytogenetic location: 2q32.2.
Variant type: single nucleotide variant.
Coding change: c.2148T>C on transcript NM_000090.4 (MANE Select); coding-DNA position 2148, T replaced by C.
Protein change: p.Pro716=; no amino-acid change (proline 716 retained).
Molecular consequence: synonymous variant.
Genome position (GRCh38, 1-based): chr2:188,999,496, T>C. VCF-style: chr2-188999496-T-C. GRCh37 (hg19) VCF-style: chr2-189864222-T-C.
Identifiers: ClinVar variation 918913 (VCV000918913.7), dbSNP rs146492493, ClinGen allele CA075044.

ClinVar aggregate classification (germline): Likely benign. Review status: criteria provided, multiple submitters, no conflicts (2 of 4 stars). 4 submissions from 4 submitters: Likely benign (4). Last evaluated 2025-01-02.

Conditions:
Ehlers-Danlos syndrome, type 4 (EDSVASC). Also called: Ehlers-Danlos Syndrome Type IV; Ehlers-Danlos syndrome vascular type; Ehlers Danlos syndrome, ecchymotic type; Ehlers Danlos syndrome, arterial type; Ehlers Danlos syndrome, Sack-Barabas type. Identifiers: Orphanet 286, MedGen C0268338, MONDO:0017314, OMIM 130050.
Familial thoracic aortic aneurysm and aortic dissection (TAAD). Also called: Thoracic aortic aneurysms and dissections. Identifiers: Orphanet 91387, MedGen C4707243, MONDO:0019625.

Allele frequency attached by ClinVar (database versions not stated): gnomAD 0.00003 and 0.00004; TOPMed 0.00004; ESP Exome Variant Server 0.00023; gnomAD exomes below 0.00001 and 0.00001; ExAC 0.00002.
gnomAD v4.1: 9 of 1,614,018 alleles (0.00056%); highest among the groups gnomAD compares: African/African-American, 0.011%; no homozygotes.

Submissions (4):

Labcorp Genetics (formerly Invitae), Labcorp
Classification: Likely benign for Ehlers-Danlos syndrome, type 4. Last evaluated: 2025-01-02. Review status: criteria provided, single submitter. Criteria: Invitae Variant Classification Sherloc (09022015). Collection method: clinical testing. Allele origin: germline.

All of Us Research Program, National Institutes of Health
Classification: Likely benign for Ehlers-Danlos syndrome, type 4. Last evaluated: 2024-01-11. Review status: criteria provided, single submitter. Criteria: ACMG Guidelines, 2015. Collection method: clinical testing. Allele origin: germline. Inheritance: Autosomal dominant inheritance. Observed: 4 variant alleles, 4 heterozygotes.
Comment: This study involves interpretation of variants in research participants for the purpose of population health screening. Participant phenotype was not available at the time of variant classification. Additional details can be found in publication PMID: 35346344, PMCID: PMC8962531

Ambry Genetics
Classification: Likely benign for Familial thoracic aortic aneurysm and aortic dissection. Last evaluated: 2022-11-17. Review status: criteria provided, single submitter. Criteria: Ambry Variant Classification Scheme 2023. Collection method: clinical testing. Allele origin: germline.

Color Diagnostics, LLC DBA Color Health
Classification: Likely benign for Familial thoracic aortic aneurysm and aortic dissection. Last evaluated: 2019-03-08. Review status: criteria provided, single submitter. Criteria: ACMG Guidelines, 2015. Collection method: clinical testing. Allele origin: germline.